The following is an entry in ClinVar:

NM_014141.6(CNTNAP2):c.2646G>C (p.Trp882Cys)

Gene: CNTNAP2 (contactin associated protein 2; plus strand). Cytogenetic location: 7q35.
Variant type: single nucleotide variant.
Coding change: c.2646G>C on transcript NM_014141.6 (MANE Select); coding-DNA position 2646, G replaced by C.
Protein change: p.Trp882Cys; replaces tryptophan 882 with cysteine.
Molecular consequence: missense variant.
Genome position (GRCh38, 1-based): chr7:148,147,582, G>C. VCF-style: chr7-148147582-G-C. GRCh37 (hg19) VCF-style: chr7-147844674-G-C.
Other names: short protein forms W882C.
Identifiers: ClinVar variation 536325 (VCV000536325.11), dbSNP rs1247068015, ClinGen allele CA369928021.

ClinVar aggregate classification (germline): Uncertain significance. Review status: criteria provided, multiple submitters, no conflicts (2 of 4 stars). 2 submissions from 2 submitters: Uncertain significance (2). Last evaluated 2025-04-14.

Conditions:
Cortical dysplasia-focal epilepsy syndrome (PTHSL1). Also called: Pitt-Hopkins-like syndrome 1. Identifiers: Orphanet 163681, Orphanet 221150, MedGen C2750246, MONDO:0012400, OMIM 610042.

Allele frequency attached by ClinVar (database versions not stated): gnomAD exomes below 0.00001.

Submissions (2):

Dasa
Classification: Uncertain significance. Last evaluated: 2025-04-14. Review status: criteria provided, single submitter. Criteria: DASA Assertion Criteria. Collection method: clinical testing. Allele origin: germline.
Comment: NM_014141.6(CNTNAP2):c.2646G>C (p.Trp882Cys) is a missense variant that results in the substitution of tryptophan with cysteine. This variant is absent from population databases. Computational prediction algorithms are consistent with a deleterious effect. The currently available literature and clinical evidence are not sufficient to establish a definitive association between this variant and the reported condition. Therefore, this variant is classified as a variant of uncertain significance.

Labcorp Genetics (formerly Invitae), Labcorp
Classification: Uncertain significance for Cortical dysplasia-focal epilepsy syndrome. Last evaluated: 2022-06-20. Review status: criteria provided, single submitter. Criteria: Invitae Variant Classification Sherloc (09022015). Collection method: clinical testing. Allele origin: germline.
Comment: In summary, the available evidence is currently insufficient to determine the role of this variant in disease. Therefore, it has been classified as a Variant of Uncertain Significance. Algorithms developed to predict the effect of missense changes on protein structure and function (SIFT, PolyPhen-2, Align-GVGD) all suggest that this variant is likely to be disruptive. ClinVar contains an entry for this variant (Variation ID: 536325). This variant has not been reported in the literature in individuals affected with CNTNAP2-related conditions. This variant is present in population databases (no rsID available, gnomAD no frequency). This sequence change replaces tryptophan, which is neutral and slightly polar, with cysteine, which is neutral and slightly polar, at codon 882 of the CNTNAP2 protein (p.Trp882Cys).